The following is an entry in ClinVar:

ClinVar aggregate classification (germline): Uncertain significance (1 of 4 stars; one submission).

Conditions:
Hereditary breast ovarian cancer syndrome. Also called: Hereditary breast and ovarian cancer syndrome; Hereditary breast and ovarian cancer syndrome (HBOC); BRCA1- and BRCA2-Associated Hereditary Breast and Ovarian Cancer; Hereditary breast and ovarian cancer; Breast and ovarian cancer; Hereditary breast and/or ovarian cancer syndrome. Identifiers: Orphanet 145, MedGen C0677776, MeSH D061325, MONDO:0003582. Disease mechanism: loss of function.

Submission:

Labcorp Genetics (formerly Invitae), Labcorp
Classification: Uncertain significance for Hereditary breast ovarian cancer syndrome. Last evaluated: 2024-05-21. Review status: criteria provided, single submitter. Criteria: Invitae Variant Classification Sherloc (09022015). Collection method: clinical testing. Allele origin: germline.
Comment: This sequence change replaces asparagine, which is neutral and polar, with serine, which is neutral and polar, at codon 924 of the BRCA2 protein (p.Asn924Ser). This variant is not present in population databases (gnomAD no frequency). This variant has not been reported in the literature in individuals affected with BRCA2-related conditions. Advanced modeling of protein sequence and biophysical properties (such as structural, functional, and spatial information, amino acid conservation, physicochemical variation, residue mobility, and thermodynamic stability) performed at Invitae indicates that this missense variant is not expected to disrupt BRCA2 protein function with a negative predictive value of 95%. In summary, the available evidence is currently insufficient to determine the role of this variant in disease. Therefore, it has been classified as a Variant of Uncertain Significance.

NM_000059.4(BRCA2):c.2771A>G (p.Asn924Ser)

Gene: BRCA2 (BRCA2 DNA repair associated; plus strand). Cytogenetic location: 13q13.1.
Variant type: single nucleotide variant.
Coding change: c.2771A>G on transcript NM_000059.4 (MANE Select); coding-DNA position 2771, A replaced by G.
Protein change: p.Asn924Ser; replaces asparagine 924 with serine.
Molecular consequence: missense variant. On other transcripts: non-coding transcript variant (1), intron variant (2).
Genome position (GRCh38, 1-based): chr13:32,337,126, A>G. VCF-style: chr13-32337126-A-G. GRCh37 (hg19) VCF-style: chr13-32911263-A-G.
Other names: c.2771A>G, p.Asn924Ser (NM_001406719.1, NM_001406720.1, NM_001432077.1); c.1909+3739A>G (NM_001406721.1); c.424+6096A>G (NM_001406722.1); short protein forms N924S.
Identifiers: ClinVar variation 3636443 (VCV003636443.2).